The following is an entry in ClinVar:

ClinVar aggregate classification (germline): Uncertain significance (1 of 4 stars; one submission).

Submission:

GeneDx
Classification: Uncertain significance. Last evaluated: 2026-01-30. Review status: criteria provided, single submitter. Criteria: GeneDx Variant Classification Process June 2021. Collection method: clinical testing. Allele origin: germline.
Comment: Not observed at significant frequency in large population cohorts (gnomAD); In silico analysis supports that this missense variant has a deleterious effect on protein structure/function; Has not been previously published as pathogenic or benign to our knowledge

NM_000540.3(RYR1):c.4315T>G (p.Phe1439Val)

Gene: RYR1 (ryanodine receptor 1; plus strand). Cytogenetic location: 19q13.2.
Variant type: single nucleotide variant.
Coding change: c.4315T>G on transcript NM_000540.3 (MANE Select); coding-DNA position 4315, T replaced by G.
Protein change: p.Phe1439Val; replaces phenylalanine 1439 with valine.
Molecular consequence: missense variant.
Genome position (GRCh38, 1-based): chr19:38,477,731, T>G. VCF-style: chr19-38477731-T-G. GRCh37 (hg19) VCF-style: chr19-38968371-T-G.
Other names: c.4315T>G, p.Phe1439Val (NM_001042723.2); short protein forms F1439V.
Identifiers: ClinVar variation 4975407 (VCV004975407.1).
Genomic context (GRCh38, chr19:38,477,731, plus strand): 5'-TTCCAGACTGACCACTAGTTCCCCTCCTTGTGTCACCAGTACTATTACTCCGTGAGGGTC[T>G]TTGCTGGACAGGAGCCCAGCTGCGTGTGGGCGGGCTGGGTCACCCCTGACTACCATCAGC-3'
Protein context (NP_000531.2, residues 1429-1449): TTTYYYSVRV[Phe1439Val]AGQEPSCVWA